The following is an entry in ClinVar:

ClinVar aggregate classification (germline): Uncertain significance (1 of 4 stars; one submission).

Submission:

GeneDx
Classification: Uncertain significance. Last evaluated: 2026-03-25. Review status: criteria provided, single submitter. Criteria: GeneDx Variant Classification Process June 2021. Collection method: clinical testing. Allele origin: germline.
Comment: Not observed at significant frequency in large population cohorts (gnomAD); In silico analysis suggests that this missense variant does not alter protein structure/function; Has not been previously published as pathogenic or benign to our knowledge

NM_013275.6(ANKRD11):c.2302A>G (p.Lys768Glu)

Gene: ANKRD11 (ankyrin repeat domain 11; minus strand). Cytogenetic location: 16q24.3.
Variant type: single nucleotide variant.
Coding change: c.2302A>G on transcript NM_013275.6 (MANE Select); coding-DNA position 2302, A replaced by G.
Protein change: p.Lys768Glu; replaces lysine 768 with glutamic acid.
Molecular consequence: missense variant.
Genome position (GRCh38, 1-based): chr16:89,284,240, T>C on the plus strand (A>G on the coding strand, the complement: ANKRD11 is on the minus strand). VCF-style: chr16-89284240-T-C. GRCh37 (hg19) VCF-style: chr16-89350648-T-C.
Other names: c.2302A>G, p.Lys768Glu (NM_001256182.2, NM_001256183.2); short protein forms K768E.
Identifiers: ClinVar variation 5017010 (VCV005017010.1).
Genomic context (GRCh38, chr16:89,284,240, plus strand): 5'-AAATTTTGTCCTCTTTTAAATCATTCTTCTTCTCTAATTTTGAGGGCCGGTCTTTTGATT[T>C]CTTCTTTCTCTCCTCTTTGTACAGTCTCAGTTTTTCTTCTTTCGGAGACTTTTCCTTCAG-3'
Protein context (NP_037407.4, residues 758-778): LRLYKEERKK[Lys768Glu]SKDRPSKLEK